The following is an entry in ClinVar:

ClinVar aggregate classification (germline): Uncertain significance. Review status: criteria provided, multiple submitters, no conflicts (2 of 4 stars). 2 submissions from 2 submitters: Uncertain significance (2). Last evaluated 2024-08-23.

Conditions:
Hypertrophic cardiomyopathy. Also called: HYPERTROPHIC MYOCARDIOPATHY. Identifiers: Orphanet 217569, MedGen C0007194, MeSH D002312, MONDO:0005045, HP:0001639.

Submissions (2):

All of Us Research Program, National Institutes of Health
Classification: Uncertain significance for Hypertrophic cardiomyopathy. Last evaluated: 2024-08-23. Review status: criteria provided, single submitter. Criteria: ACMG Guidelines, 2015. Collection method: clinical testing. Allele origin: germline. Inheritance: Autosomal dominant inheritance. Observed: 2 variant alleles, 2 heterozygotes.
Comment: This missense variant replaces threonine with asparagine at codon 234 of the MYBPC3 protein. Computational prediction suggests that this variant may not impact protein structure and function (internally defined REVEL score threshold <= 0.5, PMID: 27666373). To our knowledge, functional studies have not been reported for this variant. This variant has been reported in an individual affected with hypertrophic cardiomyopathy (PMID: 27532257). This variant has not been identified in the general population by the Genome Aggregation Database (gnomAD). The available evidence is insufficient to determine the role of this variant in disease conclusively. Therefore, this variant is classified as a Variant of Uncertain Significance.

This study involves interpretation of variants in research participants for the purpose of population health screening. Participant phenotype was not available at the time of variant classification. Additional details can be found in publication PMID: 35346344, PMCID: PMC8962531

Labcorp Genetics (formerly Invitae), Labcorp
Classification: Uncertain significance for Hypertrophic cardiomyopathy. Last evaluated: 2022-06-27. Review status: criteria provided, single submitter. Criteria: Invitae Variant Classification Sherloc (09022015). Collection method: clinical testing. Allele origin: germline.
Comment: This sequence change replaces threonine, which is neutral and polar, with asparagine, which is neutral and polar, at codon 234 of the MYBPC3 protein (p.Thr234Asn). This variant is not present in population databases (gnomAD no frequency). This missense change has been observed in individual(s) with hypertrophic cardiomyopathy (PMID: 27532257). Algorithms developed to predict the effect of missense changes on protein structure and function are either unavailable or do not agree on the potential impact of this missense change (SIFT: "Deleterious"; PolyPhen-2: "Benign"; Align-GVGD: "Class C15"). In summary, the available evidence is currently insufficient to determine the role of this variant in disease. Therefore, it has been classified as a Variant of Uncertain Significance.

Literature cited by the submitters: PubMed 27532257 (cited by All of Us Research Program, National Institutes of Health and Labcorp Genetics (formerly Invitae), Labcorp).

NM_000256.3(MYBPC3):c.701C>A (p.Thr234Asn)

Gene: MYBPC3 (myosin binding protein C3; minus strand). Cytogenetic location: 11p11.2.
Variant type: single nucleotide variant.
Coding change: c.701C>A on transcript NM_000256.3 (MANE Select); coding-DNA position 701, C replaced by A.
Protein change: p.Thr234Asn; replaces threonine 234 with asparagine.
Molecular consequence: missense variant.
Genome position (GRCh38, 1-based): chr11:47,348,495, G>T on the plus strand (C>A on the coding strand, the complement: MYBPC3 is on the minus strand). VCF-style: chr11-47348495-G-T. GRCh37 (hg19) VCF-style: chr11-47370046-G-T.
Other names: short protein forms T234N.
Identifiers: ClinVar variation 2137085 (VCV002137085.3), dbSNP rs1316099532, ClinGen allele CA380336062.